The following is an entry in ClinVar:

NM_002137.4(HNRNPA2B1):c.475T>C (p.Leu159=)

Gene: HNRNPA2B1 (heterogeneous nuclear ribonucleoprotein A2/B1; minus strand). Cytogenetic location: 7p15.2.
Variant type: single nucleotide variant.
Coding change: c.475T>C on transcript NM_002137.4 (MANE Select); coding-DNA position 475, T replaced by C.
Protein change: p.Leu159=; no amino-acid change (leucine 159 retained).
Molecular consequence: synonymous variant.
Genome position (GRCh38, 1-based): chr7:26,196,807, A>G on the plus strand (T>C on the coding strand, the complement: HNRNPA2B1 is on the minus strand). VCF-style: chr7-26196807-A-G. GRCh37 (hg19) VCF-style: chr7-26236427-A-G.
Other names: c.511T>C, p.Leu171= (NM_031243.4).
Identifiers: ClinVar variation 1393154 (VCV001393154.6), dbSNP rs544243388, ClinGen allele CA4194670.

ClinVar aggregate classification (germline): Uncertain significance (1 of 4 stars; one submission).

Conditions:
Inclusion body myopathy with early-onset Paget disease with or without frontotemporal dementia 2 (IBMPFD2). Also called: MULTISYSTEM PROTEINOPATHY 2. Identifiers: MedGen C3809468, MONDO:0014178, OMIM 615422.

Allele frequency attached by ClinVar (database versions not stated): gnomAD exomes below 0.00001; ExAC 0.00001; gnomAD 0.00001; 1000 Genomes Project 30x 0.00016; 1000 Genomes Project 0.00020.
gnomAD v4.1: 3 of 1,612,650 alleles (0.00019%); highest among the groups gnomAD compares: East Asian, 0.0045%; no homozygotes.

Submission:

Labcorp Genetics (formerly Invitae), Labcorp
Classification: Uncertain significance for Inclusion body myopathy with early-onset Paget disease with or without frontotemporal dementia 2. Last evaluated: 2022-10-18. Review status: criteria provided, single submitter. Criteria: Invitae Variant Classification Sherloc (09022015). Collection method: clinical testing. Allele origin: germline.
Comment: This sequence change affects codon 171 of the HNRNPA2B1 mRNA. It is a 'silent' change, meaning that it does not change the encoded amino acid sequence of the HNRNPA2B1 protein. It affects a nucleotide within the consensus splice site. This variant is present in population databases (rs544243388, gnomAD 0.006%). This variant has not been reported in the literature in individuals affected with HNRNPA2B1-related conditions. ClinVar contains an entry for this variant (Variation ID: 1393154). Algorithms developed to predict the effect of sequence changes on RNA splicing suggest that this variant may create or strengthen a splice site. In summary, the available evidence is currently insufficient to determine the role of this variant in disease. Therefore, it has been classified as a Variant of Uncertain Significance.